The following is an entry in ClinVar:

ClinVar aggregate classification (germline): Uncertain significance (1 of 4 stars; one submission).

gnomAD v4.1: 3 of 1,612,578 alleles (0.00019%); highest among the groups gnomAD compares: African/African-American, 0.0013%; no homozygotes.

Submission:

GeneDx
Classification: Uncertain significance. Last evaluated: 2024-02-05. Review status: criteria provided, single submitter. Criteria: GeneDx Variant Classification Process June 2021. Collection method: clinical testing. Allele origin: germline. Affected: yes.
Comment: In silico analysis supports that this missense variant has a deleterious effect on protein structure/function; Has not been previously published as pathogenic or benign to our knowledge

NM_001205293.3(CACNA1E):c.2164G>A (p.Ala722Thr)

Gene: CACNA1E (calcium voltage-gated channel subunit alpha1 E; plus strand). Cytogenetic location: 1q25.3.
Variant type: single nucleotide variant.
Coding change: c.2164G>A on transcript NM_001205293.3 (MANE Select); coding-DNA position 2164, G replaced by A.
Protein change: p.Ala722Thr; replaces alanine 722 with threonine.
Molecular consequence: missense variant.
Genome position (GRCh38, 1-based): chr1:181,726,086, G>A. VCF-style: chr1-181726086-G-A. GRCh37 (hg19) VCF-style: chr1-181695222-G-A.
Other names: c.2164G>A, p.Ala722Thr (NM_000721.4, NM_001205294.2); short protein forms A722T.
Identifiers: ClinVar variation 3368564 (VCV003368564.1).